The following is an entry in ClinVar:

NM_001379500.1(COL18A1):c.832C>A (p.Pro278Thr)

Gene: COL18A1 (collagen type XVIII alpha 1 chain; plus strand). Cytogenetic location: 21q22.3.
Variant type: single nucleotide variant.
Coding change: c.832C>A on transcript NM_001379500.1 (MANE Select); coding-DNA position 832, C replaced by A.
Protein change: p.Pro278Thr; replaces proline 278 with threonine.
Molecular consequence: missense variant.
Genome position (GRCh38, 1-based): chr21:45,476,384, C>A. VCF-style: chr21-45476384-C-A. GRCh37 (hg19) VCF-style: chr21-46896298-C-A.
Other names: NM_130445.2:c.832C>A; c.1372C>A, p.Pro458Thr (NM_030582.4); c.2077C>A, p.Pro693Thr (NM_130444.3); short protein forms P278T, P458T, P693T.
Identifiers: ClinVar variation 1482896 (VCV001482896.5), dbSNP rs777293388, ClinGen allele CA10065953.

ClinVar aggregate classification (germline): Uncertain significance. Review status: criteria provided, multiple submitters, no conflicts (2 of 4 stars). 2 submissions from 2 submitters: Uncertain significance (2). Last evaluated 2025-08-14.

Conditions:
Inborn genetic diseases. Identifiers: MedGen C0950123, MeSH D030342.

Allele frequency attached by ClinVar (database versions not stated): ExAC 0.00001; gnomAD 0.00001 and 0.00003; gnomAD exomes 0.00001; TOPMed 0.00004.
gnomAD v4.1: 3 of 1,613,822 alleles (0.00019%); highest among the groups gnomAD compares: African/African-American, 0.004%; no homozygotes.

Submissions (2):

Labcorp Genetics (formerly Invitae), Labcorp
Classification: Uncertain significance. Last evaluated: 2025-08-14. Review status: criteria provided, single submitter. Criteria: Invitae Variant Classification Sherloc (09022015). Collection method: clinical testing. Allele origin: germline.
Comment: This sequence change replaces proline, which is neutral and non-polar, with threonine, which is neutral and polar, at codon 278 of the COL18A1 protein (p.Pro278Thr). This variant is present in population databases (rs777293388, gnomAD 0.01%). This variant has not been reported in the literature in individuals affected with COL18A1-related conditions. ClinVar contains an entry for this variant (Variation ID: 1482896). Experimental studies and prediction algorithms are not available or were not evaluated, and the functional significance of this variant is currently unknown. In summary, the available evidence is currently insufficient to determine the role of this variant in disease. Therefore, it has been classified as a Variant of Uncertain Significance.

Ambry Genetics
Classification: Uncertain significance for Inborn genetic diseases. Last evaluated: 2023-12-27. Review status: criteria provided, single submitter. Criteria: Ambry Variant Classification Scheme 2023. Collection method: clinical testing. Allele origin: germline.